The following is an entry in ClinVar:

ClinVar aggregate classification (germline): Pathogenic. Review status: reviewed by expert panel (3 of 4 stars). 3 submissions from 3 submitters: Pathogenic (1). 2 of the submissions do not count toward it. Last evaluated 2025-09-29.

Conditions:
AIPL1-related retinopathy. Also called: AIPL1 retinopathy. Identifiers: MedGen CN305590, MONDO:0100438.
Leber congenital amaurosis (LCA). Also called: Leber's amaurosis. Identifiers: Orphanet 65, MedGen C0339527, MeSH D057130, MONDO:0018998.
Leber congenital amaurosis 4 (LCA4). Identifiers: MedGen C1858386, MONDO:0011458, OMIM 604393.

Submissions (3):

ClinGen Leber Congenital Amaurosis/early Onset Retinal Dystrophy Variant Curation Expert Panel, ClinGen
Classification: Pathogenic for AIPL1-related retinopathy. Last evaluated: 2025-09-29. Review status: reviewed by expert panel. Criteria: ClinGen LCAeoRD ACMG Specifications AIPL1 V1.0.0. Collection method: curation. Allele origin: germline. Inheritance: Autosomal recessive inheritance.
Comment: NM_014336.5(AIPL1):c.809G>A (p.Arg270His) is a missense variant predicted to replace arginine with histidine at amino acid p.270. This variant is absent from gnomAD v4.1.0 (PM2_Supporting). This variant has been reported in at least 1 proband with early-onset severe retinal dystrophy who was homozygous (0.5 pts, PMID: 39761966). This variant has been reported in at least 2 probands with early-onset severe retinal dystrophy who were compound heterozygous with the NM_014336.5(AIPL1):c.834G>A (p.Trp278Ter) variant either confirmed in trans (1 point, PMID: 33067476) or suspected in trans but lacking confirmation details (0.5 pts, PMID: 21153841), which was previously classified pathogenic by the ClinGen LCA/eoRD VCEP (PM3_Strong). At least one proband harboring this variant exhibits a phenotype including a diagnosis of Leber congenital amaurosis (0.5 pts), photophobia (1 pt), visual acuity limited to hand movements (1 pt), nystagmus (1 pt), mild myopia, extinguished electroretinogram responses from both rods (0.5 pts) and cones (1 pt), and fundus consistent with retinitis pigmentosa with macular atrophy (0.5 pts), which together are specific for AIPL1-related retinopathy (total 5.5 points, PMID: 17724218, PP4). The variant was associated with ~60% PDE6 enzymatic activity in a cGMP hydrolysis assay relative to the wild-type control, which was comparable to the negative control lacking AIPL1, indicating that it triggers a severe defect in protein function (PMID: 33067476, PS3_Supporting). The variant also showed severely decreased interaction with HSP90alpha and HSP90beta relative to the wild-type control (PMID: 33067476). The computational predictor REVEL gives a score of 0.940, which is above the ClinGen LCA/eoRD VCEP threshold of ≥0.93 and predicts a damaging effect on AIPL1 protein function (PP3_Strong). The splicing impact predictor SpliceAI gives a score of 0.04 for acceptor gain, which is below the ClinGen LCA/eoRD VCEP recommended threshold of ≥0.2 and does not strongly predict an impact on splicing. In summary, this variant meets the criteria to be classified as Pathogenic for AIPL1-related retinopathy based on the ACMG/AMP criteria applied, as specified by the ClinGen LCA/eoRD VCEP: PM2_Supporting, PM3_Strong, PP4, PS3_Supporting, and PP3_Strong. (VCEP specifications version 1.0.0; date of approval 09/24/2025).

Labcorp Genetics (formerly Invitae), Labcorp
Classification: Pathogenic for Leber congenital amaurosis 4. Last evaluated: 2026-01-07. Review status: criteria provided, single submitter. Criteria: Invitae Variant Classification Sherloc (09022015). Collection method: clinical testing. Allele origin: germline. Not counted in ClinVar's aggregate classification.
Comment: This sequence change replaces arginine, which is basic and polar, with histidine, which is basic and polar, at codon 270 of the AIPL1 protein (p.Arg270His). This variant is not present in population databases (gnomAD no frequency). This missense change has been observed in individual(s) with AIPL1-related conditions (PMID: 17724218, 31630094, 39761966). In at least one individual the data is consistent with being in trans (on the opposite chromosome) from a pathogenic variant. ClinVar contains an entry for this variant (Variation ID: 2736405). Invitae Evidence Modeling of protein sequence and biophysical properties (such as structural, functional, and spatial information, amino acid conservation, physicochemical variation, residue mobility, and thermodynamic stability) indicates that this missense variant is expected to disrupt AIPL1 protein function with a positive predictive value of 95%. Experimental studies have shown that this missense change affects AIPL1 function (PMID: 33067476). For these reasons, this variant has been classified as Pathogenic.

Lab De Baere, Eye and Developmental Genetics Lab, Ghent University
Classification: Likely pathogenic for Leber congenital amaurosis. Last evaluated: 2024-10-01. Review status: criteria provided, single submitter. Criteria: ACMG Guidelines, 2015. Collection method: research. Allele origin: inherited. Affected: yes. Observed: 1 variant allele. Not counted in ClinVar's aggregate classification.
Comment: ACMG/AMP guidelines: PM2, PP4_PP, PP5, PP3, PM3_PS

Literature cited by the submitters: PubMed 17724218 (cited by Labcorp Genetics (formerly Invitae), Labcorp); PubMed 31630094 (cited by Labcorp Genetics (formerly Invitae), Labcorp); PubMed 39761966 (cited by Labcorp Genetics (formerly Invitae), Labcorp); PubMed 33067476 (cited by Labcorp Genetics (formerly Invitae), Labcorp).

NM_014336.5(AIPL1):c.809G>A (p.Arg270His)

Gene: AIPL1 (AIP like 1 HSP90 co-chaperone; minus strand). Cytogenetic location: 17p13.2.
Variant type: single nucleotide variant.
Coding change: c.809G>A on transcript NM_014336.5 (MANE Select); coding-DNA position 809, G replaced by A.
Protein change: p.Arg270His; replaces arginine 270 with histidine.
Molecular consequence: missense variant. On other transcripts: 3 prime UTR variant (1).
Genome position (GRCh38, 1-based): chr17:6,425,806, C>T on the plus strand (G>A on the coding strand, the complement: AIPL1 is on the minus strand). VCF-style: chr17-6425806-C-T. GRCh37 (hg19) VCF-style: chr17-6329126-C-T.
Other names: NM_014336.5(AIPL1):c.809G>A; p.Arg270His; c.620G>A, p.Arg207His (NM_001033054.3); c.629G>A, p.Arg210His (NM_001033055.3); c.773G>A, p.Arg258His (NM_001285399.3); c.743G>A, p.Arg248His (NM_001285400.3); c.737G>A, p.Arg246His (NM_001285401.3); c.692G>A, p.Arg231His (NM_001285402.2); and 1 more; short protein forms R231H, R246H, R258H, R270H, R207H, R210H, R248H.
Identifiers: ClinVar variation 2736405 (VCV002736405.4), dbSNP rs2543878362, ClinGen allele CA397394879.
Genomic context (GRCh38, chr17:6,425,806, plus strand): 5'-ACTTTCTGGAGGTCCGCCTTGGCCTCGGCCTCATTCCACACCTCTGCGTGAGCCCGGGCA[C>T]GCACGTAGTAGGCCTTCACGATGCCTGTGGGGAGCAGGGAGCATCCAGCTACAGCTCCCT-3'
Protein context (NP_055151.3, residues 260-280): HPGIVKAYYV[Arg270His]ARAHAEVWNE